The following is an entry in ClinVar:

NM_000494.4(COL17A1):c.151C>T (p.Arg51Trp)

Gene: COL17A1 (collagen type XVII alpha 1 chain; minus strand). Cytogenetic location: 10q25.1.
Variant type: single nucleotide variant.
Coding change: c.151C>T on transcript NM_000494.4 (MANE Select); coding-DNA position 151, C replaced by T.
Protein change: p.Arg51Trp; replaces arginine 51 with tryptophan.
Molecular consequence: missense variant.
Genome position (GRCh38, 1-based): chr10:104,077,473, G>A on the plus strand (C>T on the coding strand, the complement: COL17A1 is on the minus strand). VCF-style: chr10-104077473-G-A. GRCh37 (hg19) VCF-style: chr10-105837231-G-A.
Other names: short protein forms R51W.
Identifiers: ClinVar variation 3147287 (VCV003147287.2), dbSNP rs371548263, ClinGen allele CA5679547.
Genomic context (GRCh38, chr10:104,077,473, plus strand): 5'-GGCACTCACTTGAGTTTATGTAGCCGCTGCTGCCATGAGTCAGGCTTTGTTTCTCCAGCC[G>A]GCTCCCTCCACCAAGAGAGGCTGTTTTAGCATAGCCATTGCTGGTCCCGCCTTCTGCCAG-3'
Protein context (NP_000485.3, residues 41-61): AKTASLGGGS[Arg51Trp]LEKQSLTHGS

ClinVar aggregate classification (germline): Uncertain significance. Review status: criteria provided, multiple submitters, no conflicts (2 of 4 stars). 2 submissions from 2 submitters: Uncertain significance (2). Last evaluated 2025-03-17.

Conditions:
COL17A1-related disorder. Also called: COL17A1-related condition.
Inborn genetic diseases. Identifiers: MedGen C0950123, MeSH D030342.

Allele frequency attached by ClinVar (database versions not stated): TOPMed 0.00002; gnomAD 0.00003; ESP Exome Variant Server 0.00008.
gnomAD v4.1: 13 of 1,613,302 alleles (0.00081%); highest among the groups gnomAD compares: East Asian, 0.013%; no homozygotes.

Submissions (2):

PreventionGenetics, part of Exact Sciences
Classification: Uncertain significance for COL17A1-related condition. Last evaluated: 2025-03-17. Review status: criteria provided, single submitter. Criteria: ACMG Guidelines, 2015. Collection method: clinical testing. Allele origin: germline.
Comment: The COL17A1 c.151C>T variant is predicted to result in the amino acid substitution p.Arg51Trp. To our knowledge, this variant has not been reported in the literature. This variant is reported in 0.050% of alleles in individuals of East Asian descent in gnomAD. At this time, the clinical significance of this variant is uncertain due to the absence of conclusive functional and genetic evidence.

Ambry Genetics
Classification: Uncertain significance for Inborn genetic diseases. Last evaluated: 2024-02-28. Review status: criteria provided, single submitter. Criteria: Ambry Variant Classification Scheme 2023. Collection method: clinical testing. Allele origin: germline.